The following is an entry in ClinVar:

NM_005732.4(RAD50):c.933C>A (p.His311Gln)

Gene: RAD50 (RAD50 double strand break repair protein; plus strand). Cytogenetic location: 5q31.1.
Variant type: single nucleotide variant.
Coding change: c.933C>A on transcript NM_005732.4 (MANE Select); coding-DNA position 933, C replaced by A.
Protein change: p.His311Gln; replaces histidine 311 with glutamine.
Molecular consequence: missense variant.
Genome position (GRCh38, 1-based): chr5:132,587,971, C>A. VCF-style: chr5-132587971-C-A. GRCh37 (hg19) VCF-style: chr5-131923663-C-A.
Other names: c.933C>A (NM_005732.3); short protein forms H311Q.
Identifiers: ClinVar variation 1359372 (VCV001359372.7), dbSNP rs1580992154, ClinGen allele CA360940978.

ClinVar aggregate classification (germline): Uncertain significance. Review status: criteria provided, multiple submitters, no conflicts (2 of 4 stars). 2 submissions from 2 submitters: Uncertain significance (2). Last evaluated 2025-08-08.

Conditions:
Hereditary cancer-predisposing syndrome. Also called: Tumor predisposition; Hereditary neoplastic syndrome; Neoplastic Syndromes, Hereditary; Hereditary Cancer Syndrome. Identifiers: Orphanet 140162, MedGen C0027672, MeSH D009386, MONDO:0015356.

gnomAD v4.1: 1 of 1,612,634 alleles (0.000062%); no homozygotes.

Submissions (2):

Ambry Genetics
Classification: Uncertain significance for Hereditary cancer-predisposing syndrome. Last evaluated: 2025-08-08. Review status: criteria provided, single submitter. Criteria: Ambry Variant Classification Scheme 2023. Collection method: clinical testing. Allele origin: germline.
Comment: The p.H311Q variant (also known as c.933C>A), located in coding exon 7 of the RAD50 gene, results from a C to A substitution at nucleotide position 933. The histidine at codon 311 is replaced by glutamine, an amino acid with highly similar properties. This amino acid position is conserved. In addition, this alteration is predicted to be tolerated by in silico analysis. Based on the available evidence, the clinical significance of this variant remains unclear.

Labcorp Genetics (formerly Invitae), Labcorp
Classification: Uncertain significance for Hereditary cancer-predisposing syndrome. Last evaluated: 2021-09-24. Review status: criteria provided, single submitter. Criteria: Invitae Variant Classification Sherloc (09022015). Collection method: clinical testing. Allele origin: germline.
Comment: This sequence change replaces histidine with glutamine at codon 311 of the RAD50 protein (p.His311Gln). The histidine residue is moderately conserved and there is a small physicochemical difference between histidine and glutamine. This variant is not present in population databases (ExAC no frequency). This variant has not been reported in the literature in individuals affected with RAD50-related conditions. Algorithms developed to predict the effect of missense changes on protein structure and function are either unavailable or do not agree on the potential impact of this missense change (SIFT: "Tolerated"; PolyPhen-2: "Probably Damaging"; Align-GVGD: "Class C0"). In summary, the available evidence is currently insufficient to determine the role of this variant in disease. Therefore, it has been classified as a Variant of Uncertain Significance.